The following is an entry in ClinVar:

ClinVar aggregate classification (germline): Conflicting classifications of pathogenicity. Review status: criteria provided, conflicting classifications (1 of 4 stars). 2 submissions from 2 submitters: Uncertain significance (1); Likely benign (1). Last evaluated 2026-08-06.

Conditions:
Cardiovascular phenotype. Identifiers: MedGen CN230736.
Hypertrophic cardiomyopathy. Also called: HYPERTROPHIC MYOCARDIOPATHY. Identifiers: Orphanet 217569, MedGen C0007194, MeSH D002312, MONDO:0005045, HP:0001639.

Allele frequency attached by ClinVar (database versions not stated): TOPMed 0.00002; 1000 Genomes Project 30x 0.00016; 1000 Genomes Project 0.00020.
gnomAD v4.1: 5 of 1,559,530 alleles (0.00032%); highest among the groups gnomAD compares: African/African-American, 0.0027%; no homozygotes.

Submissions (2):

Ambry Genetics
Classification: Likely benign for Cardiovascular phenotype. Last evaluated: 2026-08-06. Review status: criteria provided, single submitter. Criteria: Ambry Variant Classification Scheme 2023. Collection method: clinical testing. Allele origin: germline.

Labcorp Genetics (formerly Invitae), Labcorp
Classification: Uncertain significance for Hypertrophic cardiomyopathy. Last evaluated: 2025-12-24. Review status: criteria provided, single submitter. Criteria: Invitae Variant Classification Sherloc (09022015). Collection method: clinical testing. Allele origin: germline.
Comment: This sequence change replaces threonine, which is neutral and polar, with alanine, which is neutral and non-polar, at codon 146 of the MYBPC3 protein (p.Thr146Ala). This variant is not present in population databases (gnomAD no frequency). This variant has not been reported in the literature in individuals affected with MYBPC3-related conditions. ClinVar contains an entry for this variant (Variation ID: 837589). An algorithm developed to predict the effect of missense changes on protein structure and function outputs the following: PolyPhen-2: "Benign". The alanine amino acid residue is found in multiple mammalian species, which suggests that this missense change does not adversely affect protein function. In summary, the available evidence is currently insufficient to determine the role of this variant in disease. Therefore, it has been classified as a Variant of Uncertain Significance.

NM_000256.3(MYBPC3):c.436A>G (p.Thr146Ala)

Gene: MYBPC3 (myosin binding protein C3; minus strand). Cytogenetic location: 11p11.2.
Variant type: single nucleotide variant.
Coding change: c.436A>G on transcript NM_000256.3 (MANE Select); coding-DNA position 436, A replaced by G.
Protein change: p.Thr146Ala; replaces threonine 146 with alanine.
Molecular consequence: missense variant.
Genome position (GRCh38, 1-based): chr11:47,350,083, T>C on the plus strand (A>G on the coding strand, the complement: MYBPC3 is on the minus strand). VCF-style: chr11-47350083-T-C. GRCh37 (hg19) VCF-style: chr11-47371634-T-C.
Other names: short protein forms T146A.
Identifiers: ClinVar variation 837589 (VCV000837589.12), dbSNP rs397516048, ClinGen allele CA221707255.